The following is an entry in ClinVar:

NM_001458.5(FLNC):c.7909A>C (p.Lys2637Gln)

Genes: FLNC (filamin C; plus strand), FLNC-AS1 (FLNC antisense RNA 1; minus strand). Cytogenetic location: 7q32.1.
Variant type: single nucleotide variant.
Coding change: c.7909A>C on transcript NM_001458.5 (MANE Select); coding-DNA position 7909, A replaced by C.
Protein change: p.Lys2637Gln; replaces lysine 2637 with glutamine.
Molecular consequence: missense variant.
Genome position (GRCh38, 1-based): chr7:128,858,136, A>C. VCF-style: chr7-128858136-A-C. GRCh37 (hg19) VCF-style: chr7-128498190-A-C.
Other names: c.7810A>C, p.Lys2604Gln (NM_001127487.2); short protein forms K2637Q, K2604Q.
Identifiers: ClinVar variation 1805157 (VCV001805157.19), dbSNP rs767794768, ClinGen allele CA4476380.

ClinVar aggregate classification (germline): Conflicting classifications of pathogenicity. Review status: criteria provided, conflicting classifications (1 of 4 stars). 4 submissions from 4 submitters: Uncertain significance (3); Likely benign (1). Last evaluated 2025-07-24.

Conditions:
Cardiovascular phenotype. Identifiers: MedGen CN230736.
Myofibrillar myopathy 5. Also called: Filaminopathy (type); FILAMINOPATHY, AUTOSOMAL DOMINANT. Identifiers: Orphanet 171445, MedGen C1836050, MONDO:0012289, OMIM 609524.

Allele frequency attached by ClinVar (database versions not stated): ExAC 0.00010.

Submissions (4):

Molecular Diagnostic Laboratory for Inherited Cardiovascular Disease, Montreal Heart Institute
Classification: Uncertain significance for Cardiovascular phenotype. Last evaluated: 2025-07-24. Review status: criteria provided, single submitter. Criteria: ACMG Guidelines, 2015. Collection method: clinical testing. Allele origin: germline. Affected: yes.

Revvity Omics, Revvity
Classification: Uncertain significance. Last evaluated: 2025-05-09. Review status: criteria provided, single submitter. Criteria: ACMG Guidelines, 2015. Collection method: clinical testing. Allele origin: germline.

CeGaT Center for Human Genetics Tuebingen
Classification: Likely benign. Last evaluated: 2024-10-01. Review status: criteria provided, single submitter. Criteria: CeGaT Center For Human Genetics Tuebingen Variant Classification Criteria Version 2. Collection method: clinical testing. Allele origin: germline. Affected: yes. Observed: 1 variant allele.
Comment: FLNC: BP1

Victorian Clinical Genetics Services, Murdoch Childrens Research Institute
Classification: Uncertain significance for Myofibrillar myopathy 5. Last evaluated: 2022-02-02. Review status: criteria provided, single submitter. Criteria: ACMG Guidelines, 2015. Collection method: clinical testing. Allele origin: germline. Inheritance: Autosomal dominant inheritance. Affected: yes.
Comment: Based on the classification scheme VCGS_Germline_v1.3.4, this variant is classified as VUS-3B. Following criteria are met: 0103 - Loss of function and gain of function are known mechanisms of disease in this gene. Loss of function is the established mechanism of disease for variants in dilated cardiomyopathy, hypertrophic cardiomyopathy, restrictive cardiomyopathy (MIM#617047) and myofibrillar myopathy (MIM#609524). In distal myopathy (MIM#614065), NMD-predicted variants cause a loss of function, however missense variants have been shown to result in a toxic gain of function (PMID: 32112656). (I) 0107 - This gene is associated with autosomal dominant disease. (I) 0200 - Variant is predicted to result in a missense amino acid change from lysine to glutamine. (I) 0251 - This variant is heterozygous. (I) 0302 - Variant is present in gnomAD (v2) <0.001 for a dominant condition (16 heterozygotes, 0 homozygote). (SP) 0309 - An alternative amino acid change at the same position has been observed in gnomAD (v2, v3) (1 heterozygote, 0 homozygotes). (I) 0502 - Missense variant with conflicting in silico predictions and uninformative conservation. (I) 0600 - Variant is located in the annotated filamin 24 repeat domain (UniProt). (I) 0705 - No comparable missense variants have previous evidence for pathogenicity. (I) 0807 - This variant has no previous evidence of pathogenicity. (I) 0905 - No published segregation evidence has been identified for this variant. (I) 1007 - No published functional evidence has been identified for this variant. (I) 1208 - Inheritance information for this variant is not currently available in this individual. (I) Legend: (SP) - Supporting pathogenic, (I) - Information, (SB) - Supporting benign

Literature cited by the submitters: PubMed 32112656 (cited by Victorian Clinical Genetics Services, Murdoch Childrens Research Institute).